The following is an entry in ClinVar:

ClinVar aggregate classification (germline): Uncertain significance (1 of 4 stars; one submission).

Conditions:
Epilepsy, progressive myoclonic, 1B. Also called: PME. Identifiers: Orphanet 308, MedGen C2676254, MONDO:0012904, OMIM 612437.

Allele frequency attached by ClinVar (database versions not stated): TOPMed below 0.00001.

Submission:

Labcorp Genetics (formerly Invitae), Labcorp
Classification: Uncertain significance for Epilepsy, progressive myoclonic, 1B. Last evaluated: 2021-12-27. Review status: criteria provided, single submitter. Criteria: Invitae Variant Classification Sherloc (09022015). Collection method: clinical testing. Allele origin: germline.
Comment: In summary, the available evidence is currently insufficient to determine the role of this variant in disease. Therefore, it has been classified as a Variant of Uncertain Significance. Algorithms developed to predict the effect of missense changes on protein structure and function output the following: SIFT: "Tolerated"; PolyPhen-2: "Benign"; Align-GVGD: "Class C0". The glycine amino acid residue is found in multiple mammalian species, which suggests that this missense change does not adversely affect protein function. This variant has not been reported in the literature in individuals affected with PRICKLE1-related conditions. This variant is not present in population databases (gnomAD no frequency). This sequence change replaces serine, which is neutral and polar, with glycine, which is neutral and non-polar, at codon 426 of the PRICKLE1 protein (p.Ser426Gly).

NM_153026.3(PRICKLE1):c.1276A>G (p.Ser426Gly)

Gene: PRICKLE1 (prickle planar cell polarity protein 1; minus strand). Cytogenetic location: 12q12.
Variant type: single nucleotide variant.
Coding change: c.1276A>G on transcript NM_153026.3 (MANE Select); coding-DNA position 1276, A replaced by G.
Protein change: p.Ser426Gly; replaces serine 426 with glycine.
Molecular consequence: missense variant.
Genome position (GRCh38, 1-based): chr12:42,464,758, T>C on the plus strand (A>G on the coding strand, the complement: PRICKLE1 is on the minus strand). VCF-style: chr12-42464758-T-C. GRCh37 (hg19) VCF-style: chr12-42858560-T-C.
Other names: c.1276A>G, p.Ser426Gly (NM_001144881.2, NM_001144882.2, NM_001144883.2); short protein forms S426G.
Identifiers: ClinVar variation 2037419 (VCV002037419.4), dbSNP rs1199026839, ClinGen allele CA384442065.